The following is an entry in ClinVar:

ClinVar aggregate classification (germline): Uncertain significance (1 of 4 stars; one submission).

Submission:

Labcorp Genetics (formerly Invitae), Labcorp
Classification: Uncertain significance. Last evaluated: 2021-10-29. Review status: criteria provided, single submitter. Criteria: Invitae Variant Classification Sherloc (09022015). Collection method: clinical testing. Allele origin: germline.
Comment: This sequence change replaces histidine, which is basic and polar, with glutamine, which is neutral and polar, at codon 922 of the STIL protein (p.His922Gln). This variant is not present in population databases (gnomAD no frequency). This variant has not been reported in the literature in individuals affected with STIL-related conditions. Algorithms developed to predict the effect of missense changes on protein structure and function output the following: SIFT: "Tolerated"; PolyPhen-2: "Benign"; Align-GVGD: "Class C0". The glutamine amino acid residue is found in multiple mammalian species, which suggests that this missense change does not adversely affect protein function. In summary, the available evidence is currently insufficient to determine the role of this variant in disease. Therefore, it has been classified as a Variant of Uncertain Significance.

NM_001048166.1(STIL):c.2769T>A (p.His923Gln)

Gene: STIL (STIL centriolar assembly protein; minus strand). Cytogenetic location: 1p33.
Variant type: single nucleotide variant.
Coding change: c.2769T>A on transcript NM_001048166.1 (MANE Select); coding-DNA position 2769, T replaced by A.
Protein change: p.His923Gln; replaces histidine 923 with glutamine.
Molecular consequence: missense variant.
Genome position (GRCh38, 1-based): chr1:47,262,963, A>T on the plus strand (T>A on the coding strand, the complement: STIL is on the minus strand). VCF-style: chr1-47262963-A-T. GRCh37 (hg19) VCF-style: chr1-47728635-A-T.
Other names: c.2766T>A, p.His922Gln (NM_001282936.1, NM_003035.2); c.2715T>A, p.His905Gln (NM_001282937.1); c.2628T>A, p.His876Gln (NM_001282938.1, NM_001377417.1); c.2574T>A, p.His858Gln (NM_001282939.1); short protein forms H905Q, H923Q, H858Q, H876Q, H922Q.
Identifiers: ClinVar variation 1517675 (VCV001517675.3), dbSNP rs1644527858, ClinGen allele CA340237561.